The following is an entry in ClinVar:

ClinVar aggregate classification (germline): Uncertain significance. Review status: criteria provided, multiple submitters, no conflicts (2 of 4 stars). 2 submissions from 2 submitters: Uncertain significance (2). Last evaluated 2024-02-23.

Conditions:
Neuropathy, hereditary sensory and autonomic, type 1C. Also called: HSAN IC; HSN IC. Identifiers: Orphanet 36386, MedGen C3150896, MONDO:0013337, OMIM 613640.

Allele frequency attached by ClinVar (database versions not stated): ExAC 0.00001; gnomAD 0.00001; gnomAD exomes 0.00001; TOPMed 0.00001.
gnomAD v4.1: 14 of 1,613,700 alleles (0.00087%); highest among the groups gnomAD compares: Admixed American, 0.0033%; no homozygotes.

Submissions (2):

Labcorp Genetics (formerly Invitae), Labcorp
Classification: Uncertain significance for Neuropathy, hereditary sensory and autonomic, type 1C. Last evaluated: 2024-02-23. Review status: criteria provided, single submitter. Criteria: Invitae Variant Classification Sherloc (09022015). Collection method: clinical testing. Allele origin: germline.
Comment: This sequence change replaces alanine, which is neutral and non-polar, with valine, which is neutral and non-polar, at codon 234 of the SPTLC2 protein (p.Ala234Val). This variant is present in population databases (rs761202531, gnomAD 0.006%). This variant has not been reported in the literature in individuals affected with SPTLC2-related conditions. ClinVar contains an entry for this variant (Variation ID: 618398). Advanced modeling of protein sequence and biophysical properties (such as structural, functional, and spatial information, amino acid conservation, physicochemical variation, residue mobility, and thermodynamic stability) performed at Invitae indicates that this missense variant is not expected to disrupt SPTLC2 protein function with a negative predictive value of 80%. In summary, the available evidence is currently insufficient to determine the role of this variant in disease. Therefore, it has been classified as a Variant of Uncertain Significance.

ARUP Laboratories, Molecular Genetics and Genomics, ARUP Laboratories
Classification: Uncertain significance. Last evaluated: 2017-09-11. Review status: criteria provided, single submitter. Criteria: ARUP Molecular Germline Variant Investigation Process. Collection method: clinical testing. Allele origin: germline.
Comment: The c.701C>T; p.Ala234Val variant (rs761202531) has not been reported in the medical literature, nor has it been previously identified by our laboratory. This variant is listed in the Genome Aggregation Database (gnomAD) with an overall population frequency of 0.001 percent (identified on 3 out of 246,152 chromosomes). The alanine at position 234 is moderately conserved considering 11 species (Alamut v2.9.0) and computational analyses of the effects of the p.Ala234Val variant on protein structure and function provide conflicting results (SIFT: tolerated, MutationTaster: disease causing, PolyPhen-2: benign). Altogether, there is not enough evidence to classify the p.Ala234Val variant with certainty.

NM_004863.4(SPTLC2):c.701C>T (p.Ala234Val)

Gene: SPTLC2 (serine palmitoyltransferase long chain base subunit 2; minus strand). Cytogenetic location: 14q24.3.
Variant type: single nucleotide variant.
Coding change: c.701C>T on transcript NM_004863.4 (MANE Select); coding-DNA position 701, C replaced by T.
Protein change: p.Ala234Val; replaces alanine 234 with valine.
Molecular consequence: missense variant.
Genome position (GRCh38, 1-based): chr14:77,570,439, G>A on the plus strand (C>T on the coding strand, the complement: SPTLC2 is on the minus strand). VCF-style: chr14-77570439-G-A. GRCh37 (hg19) VCF-style: chr14-78036782-G-A.
Other names: short protein forms A234V.
Identifiers: ClinVar variation 618398 (VCV000618398.18), dbSNP rs761202531, ClinGen allele CA7289396.